The following is an entry in ClinVar:

ClinVar aggregate classification (germline): Likely benign. Review status: criteria provided, multiple submitters, no conflicts (2 of 4 stars). 3 submissions from 3 submitters: Likely benign (2). 1 of the submissions does not count toward it. Last evaluated 2024-11-25.

Conditions:
ZFHX4-related disorder. Also called: ZFHX4-related condition.

Allele frequency attached by ClinVar (database versions not stated): ExAC 0.00009; TOPMed 0.00019; gnomAD 0.00022.
gnomAD v4.1: 169 of 1,613,914 alleles (0.01%); highest among the groups gnomAD compares: Admixed American, 0.035%; no homozygotes.

Submissions (3):

Blueprint Genetics
Classification: Likely benign. Last evaluated: 2024-11-25. Review status: criteria provided, single submitter. Criteria: ACMG Guidelines, 2015. Collection method: clinical testing. Allele origin: germline.

CeGaT Center for Human Genetics Tuebingen
Classification: Likely benign. Last evaluated: 2022-07-01. Review status: criteria provided, single submitter. Criteria: CeGaT Center For Human Genetics Tuebingen Variant Classification Criteria Version 2. Collection method: clinical testing. Allele origin: germline. Affected: yes. Observed: 1 variant allele.
Comment: ZFHX4: BP4, BP7

PreventionGenetics, part of Exact Sciences
Classification: Likely benign for ZFHX4-related condition. Last evaluated: 2019-12-13. Review status: no assertion criteria provided. Collection method: clinical testing. Allele origin: germline. Not counted in ClinVar's aggregate classification.
Comment: This variant is classified as likely benign based on ACMG/AMP sequence variant interpretation guidelines (Richards et al. 2015 PMID: 25741868, with internal and published modifications).

NM_024721.5(ZFHX4):c.3006C>T (p.Asn1002=)

Gene: ZFHX4 (zinc finger homeobox 4; plus strand). Cytogenetic location: 8q21.13.
Variant type: single nucleotide variant.
Coding change: c.3006C>T on transcript NM_024721.5 (MANE Select); coding-DNA position 3006, C replaced by T.
Protein change: p.Asn1002=; no amino-acid change (asparagine 1002 retained).
Molecular consequence: synonymous variant.
Genome position (GRCh38, 1-based): chr8:76,707,961, C>T. VCF-style: chr8-76707961-C-T. GRCh37 (hg19) VCF-style: chr8-77620196-C-T.
Other names: c.2928C>T, p.Asn976= (NM_001410934.1); c.3006C>T (NM_024721.4).
Identifiers: ClinVar variation 2658661 (VCV002658661.26), dbSNP rs376831938, ClinGen allele CA4787104.